The following is an entry in ClinVar:

NM_016341.4(PLCE1):c.3796G>A (p.Asp1266Asn)

Gene: PLCE1 (phospholipase C epsilon 1; plus strand). Cytogenetic location: 10q23.33.
Variant type: single nucleotide variant.
Coding change: c.3796G>A on transcript NM_016341.4 (MANE Select); coding-DNA position 3796, G replaced by A.
Protein change: p.Asp1266Asn; replaces aspartic acid 1266 with asparagine.
Molecular consequence: missense variant.
Genome position (GRCh38, 1-based): chr10:94,259,132, G>A. VCF-style: chr10-94259132-G-A. GRCh37 (hg19) VCF-style: chr10-96018889-G-A.
Other names: c.3796G>A (NM_016341.3); c.2872G>A, p.Asp958Asn (NM_001165979.2); c.3748G>A, p.Asp1250Asn (NM_001288989.2); short protein forms D1266N, D958N, D1250N.
Identifiers: ClinVar variation 2073217 (VCV002073217.5), dbSNP rs2051204883, ClinGen allele CA377645107.
Genomic context (GRCh38, chr10:94,259,132, plus strand): 5'-CGATCTGGCTCCGAGTCAGCCCCACTCTACACCAACCTGACAATTGATGAAAACACCAGC[G>A]ATCTTCAGCCTGACCTAGGTTTGTTGAACATTTTAGGATTTCCCTTTGGGATCAATCTGT-3'
Protein context (NP_057425.3, residues 1256-1276): TNLTIDENTS[Asp1266Asn]LQPDLDLLTR

ClinVar aggregate classification (germline): Uncertain significance. Review status: criteria provided, multiple submitters, no conflicts (2 of 4 stars). 2 submissions from 2 submitters: Uncertain significance (2). Last evaluated 2024-03-18.

Conditions:
Inborn genetic diseases. Identifiers: MedGen C0950123, MeSH D030342.

Allele frequency attached by ClinVar (database versions not stated): gnomAD exomes 0.00001; TOPMed 0.00001; gnomAD 0.00001.
gnomAD v4.1: 19 of 1,613,934 alleles (0.0012%); highest among the groups gnomAD compares: South Asian, 0.0022%; no homozygotes.

Submissions (2):

Ambry Genetics
Classification: Uncertain significance for Inborn genetic diseases. Last evaluated: 2024-03-18. Review status: criteria provided, single submitter. Criteria: Ambry Variant Classification Scheme 2023. Collection method: clinical testing. Allele origin: germline.

Labcorp Genetics (formerly Invitae), Labcorp
Classification: Uncertain significance. Last evaluated: 2023-12-11. Review status: criteria provided, single submitter. Criteria: Invitae Variant Classification Sherloc (09022015). Collection method: clinical testing. Allele origin: germline.
Comment: This sequence change replaces aspartic acid, which is acidic and polar, with asparagine, which is neutral and polar, at codon 1266 of the PLCE1 protein (p.Asp1266Asn). This variant is not present in population databases (gnomAD no frequency). This variant has not been reported in the literature in individuals affected with PLCE1-related conditions. ClinVar contains an entry for this variant (Variation ID: 2073217). Advanced modeling of protein sequence and biophysical properties (such as structural, functional, and spatial information, amino acid conservation, physicochemical variation, residue mobility, and thermodynamic stability) performed at Invitae indicates that this missense variant is not expected to disrupt PLCE1 protein function with a negative predictive value of 80%. In summary, the available evidence is currently insufficient to determine the role of this variant in disease. Therefore, it has been classified as a Variant of Uncertain Significance.